The following is an entry in ClinVar:

NM_138387.4(G6PC3):c.59C>T (p.Ala20Val)

Genes: G6PC3 (glucose-6-phosphatase catalytic subunit 3; plus strand), LOC130060959 (ATAC-STARR-seq lymphoblastoid active region 12250; plus strand). Cytogenetic location: 17q21.31.
Variant type: single nucleotide variant.
Coding change: c.59C>T on transcript NM_138387.4 (MANE Select); coding-DNA position 59, C replaced by T.
Protein change: p.Ala20Val; replaces alanine 20 with valine.
Molecular consequence: missense variant. On other transcripts: 5 prime UTR variant (3), intron variant (1).
Genome position (GRCh38, 1-based): chr17:44,071,024, C>T. VCF-style: chr17-44071024-C-T. GRCh37 (hg19) VCF-style: chr17-42148392-C-T.
Other names: p.Ala20Val; c.59C>T, p.Ala20Val (NM_001319945.2); c.-346C>T (NM_001384165.1); c.-481C>T (NM_001384166.1); c.-471C>T (NM_001384167.1); c.-312+310C>T (NM_001384168.1); short protein forms A20V.
Identifiers: ClinVar variation 790915 (VCV000790915.16), dbSNP rs777505318, ClinGen allele CA8595880.

ClinVar aggregate classification (germline): Conflicting classifications of pathogenicity. Review status: criteria provided, conflicting classifications (1 of 4 stars). 5 submissions from 5 submitters: Uncertain significance (1); Benign (1); Likely benign (2). 1 of the submissions does not count toward it. Last evaluated 2026-01-26.

Conditions:
Inborn genetic diseases. Identifiers: MedGen C0950123, MeSH D030342.
G6PC3-related disorder. Also called: G6PC3-related condition.
Autosomal recessive severe congenital neutropenia due to G6PC3 deficiency. Also called: NEUTROPENIA, SEVERE CONGENITAL, 4, AUTOSOMAL RECESSIVE; G6PC3 Deficiency. Identifiers: Orphanet 331176, MedGen C2751630, MONDO:0012930, OMIM 612541.

Allele frequency attached by ClinVar (database versions not stated): gnomAD 0.00003; 1000 Genomes Project 30x 0.00031; TOPMed 0.00036; ExAC 0.00139.
gnomAD v4.1: 206 of 1,583,794 alleles (0.013%); highest among the groups gnomAD compares: Admixed American, 0.36%; 1 homozygote.

Submissions (5):

Labcorp Genetics (formerly Invitae), Labcorp
Classification: Benign for Autosomal recessive severe congenital neutropenia due to G6PC3 deficiency. Last evaluated: 2026-01-26. Review status: criteria provided, single submitter. Criteria: Invitae Variant Classification Sherloc (09022015). Collection method: clinical testing. Allele origin: germline.

Mayo Clinic Laboratories, Mayo Clinic
Classification: Likely benign. Last evaluated: 2025-04-30. Review status: criteria provided, single submitter. Criteria: ACMG Guidelines, 2015. Collection method: clinical testing. Allele origin: germline. Observed: 6 variant alleles.
Comment: BS1, BP4_moderate

Ambry Genetics
Classification: Uncertain significance for Inborn genetic diseases. Last evaluated: 2024-10-04. Review status: criteria provided, single submitter. Criteria: Ambry Variant Classification Scheme 2023. Collection method: clinical testing. Allele origin: germline.
Comment: The p.A20V variant (also known as c.59C>T), located in coding exon 1 of the G6PC3 gene, results from a C to T substitution at nucleotide position 59. The alanine at codon 20 is replaced by valine, an amino acid with similar properties. This amino acid position is conserved. In addition, this alteration is predicted to be tolerated by in silico analysis. Based on the available evidence, the clinical significance of this variant remains unclear.

Blueprint Genetics
Classification: Likely benign. Last evaluated: 2022-11-21. Review status: criteria provided, single submitter. Criteria: ACMG Guidelines, 2015. Collection method: clinical testing. Allele origin: germline.

PreventionGenetics, part of Exact Sciences
Classification: Likely benign for G6PC3-related condition. Last evaluated: 2021-10-22. Review status: no assertion criteria provided. Collection method: clinical testing. Allele origin: germline. Not counted in ClinVar's aggregate classification.
Comment: This variant is classified as likely benign based on ACMG/AMP sequence variant interpretation guidelines (Richards et al. 2015 PMID: 25741868, with internal and published modifications).